The following is an entry in ClinVar:

ClinVar aggregate classification (germline): Uncertain significance (1 of 4 stars; one submission).

Submission:

Greenwood Genetic Center Diagnostic Laboratories, Greenwood Genetic Center
Classification: Uncertain significance. Last evaluated: 2024-12-18. Review status: criteria provided, single submitter. Criteria: ACMG Guidelines, 2015. Collection method: clinical testing. Allele origin: germline. Affected: yes.
Comment: PM2, BP4, PP2

NM_014159.7(SETD2):c.599C>G (p.Thr200Arg)

Gene: SETD2 (SET domain containing 2, histone lysine methyltransferase; minus strand). Cytogenetic location: 3p21.31.
Variant type: single nucleotide variant.
Coding change: c.599C>G on transcript NM_014159.7 (MANE Select); coding-DNA position 599, C replaced by G.
Protein change: p.Thr200Arg; replaces threonine 200 with arginine.
Molecular consequence: missense variant. On other transcripts: non-coding transcript variant (1).
Genome position (GRCh38, 1-based): chr3:47,124,037, G>C on the plus strand (C>G on the coding strand, the complement: SETD2 is on the minus strand). VCF-style: chr3-47124037-G-C. GRCh37 (hg19) VCF-style: chr3-47165527-G-C.
Other names: c.467C>G, p.Thr156Arg (NM_001349370.3); short protein forms T156R, T200R.
Identifiers: ClinVar variation 3765830 (VCV003765830.1).